The following is an entry in ClinVar:

ClinVar aggregate classification (germline): Uncertain significance (1 of 4 stars; one submission).

Conditions:
Primary dilated cardiomyopathy (DCM). Also called: Dilated Cardiomyopathy. Identifiers: Orphanet 217604, MedGen C0007193, MeSH D002311, MONDO:0005021, HP:0001644. Inheritance: Various modes of inheritance.

Submission:

Labcorp Genetics (formerly Invitae), Labcorp
Classification: Uncertain significance for Primary dilated cardiomyopathy. Last evaluated: 2024-10-18. Review status: criteria provided, single submitter. Criteria: Invitae Variant Classification Sherloc (09022015). Collection method: clinical testing. Allele origin: germline.
Comment: This sequence change replaces glutamic acid, which is acidic and polar, with lysine, which is basic and polar, at codon 103 of the FHL2 protein (p.Glu103Lys). This variant is not present in population databases (gnomAD no frequency). This variant has not been reported in the literature in individuals affected with FHL2-related conditions. ClinVar contains an entry for this variant (Variation ID: 961293). Invitae Evidence Modeling of protein sequence and biophysical properties (such as structural, functional, and spatial information, amino acid conservation, physicochemical variation, residue mobility, and thermodynamic stability) indicates that this missense variant is not expected to disrupt FHL2 protein function with a negative predictive value of 80%. In summary, the available evidence is currently insufficient to determine the role of this variant in disease. Therefore, it has been classified as a Variant of Uncertain Significance.

NM_001318895.3(FHL2):c.307G>A (p.Glu103Lys)

Genes: C2orf49 (chromosome 2 open reading frame 49; plus strand), FHL2 (four and a half LIM domains 2; minus strand). Cytogenetic location: 2q12.2.
Variant type: single nucleotide variant.
Coding change: c.307G>A on transcript NM_001318895.3 (MANE Select); coding-DNA position 307, G replaced by A.
Protein change: p.Glu103Lys; replaces glutamic acid 103 with lysine.
Molecular consequence: missense variant. On other transcripts: 5 prime UTR variant (1), intron variant (2).
Genome position (GRCh38, 1-based): chr2:105,373,583, C>T on the plus strand (G>A on the coding strand, the complement: FHL2 is on the minus strand). VCF-style: chr2-105373583-C-T. GRCh37 (hg19) VCF-style: chr2-105990040-C-T.
Other names: c.307G>A, p.Glu103Lys (NM_001039492.3, NM_001318894.1, NM_001318896.2 and 4 more transcripts); c.-18G>A (NM_001318899.2); c.-11-5844G>A (NM_001318897.2, NM_001318898.2); short protein forms E103K.
Identifiers: ClinVar variation 961293 (VCV000961293.7), dbSNP rs1681246655, ClinGen allele CA348001585.
Genomic context (GRCh38, chr2:105,373,583, plus strand): 5'-GACTGGCTCACGCATGAGAAAGGAGTGCCTCCTGACCTGGCATGATGGTCTTCTTGCATT[C>T]CTGGCACTTGGATGAGTACTCGTTGGAATAGCAGTCTGTACAGAGCAGCTGGTCCTCCTT-3'
Protein context (NP_001305824.1, residues 93-113): YSNEYSSKCQ[Glu103Lys]CKKTIMPGTR